The following is an entry in ClinVar:

NM_001844.5(COL2A1):c.4169C>T (p.Thr1390Ile)

Gene: COL2A1 (collagen type II alpha 1 chain; minus strand). Cytogenetic location: 12q13.11.
Variant type: single nucleotide variant.
Coding change: c.4169C>T on transcript NM_001844.5 (MANE Select); coding-DNA position 4169, C replaced by T.
Protein change: p.Thr1390Ile; replaces threonine 1390 with isoleucine.
Molecular consequence: missense variant.
Genome position (GRCh38, 1-based): chr12:47,974,237, G>A on the plus strand (C>T on the coding strand, the complement: COL2A1 is on the minus strand). VCF-style: chr12-47974237-G-A. GRCh37 (hg19) VCF-style: chr12-48368020-G-A.
Other names: c.4169C>T (NM_001844.4); c.3962C>T, p.Thr1321Ile (NM_033150.3); short protein forms T1390I, T1321I.
Identifiers: ClinVar variation 1394832 (VCV001394832.7), dbSNP rs1161207534, ClinGen allele CA384533714.

ClinVar aggregate classification (germline): Conflicting classifications of pathogenicity. Review status: criteria provided, conflicting classifications (1 of 4 stars). 2 submissions from 2 submitters: Uncertain significance (1); Likely benign (1). Last evaluated 2025-03-12.

Allele frequency attached by ClinVar (database versions not stated): TOPMed 0.00005; gnomAD 0.00006 and 0.00007.
gnomAD v4.1: 10 of 1,614,154 alleles (0.00062%); highest among the groups gnomAD compares: African/African-American, 0.012%; no homozygotes.

Submissions (2):

GeneDx
Classification: Uncertain significance. Last evaluated: 2025-03-12. Review status: criteria provided, single submitter. Criteria: GeneDx Variant Classification Process June 2021. Collection method: clinical testing. Allele origin: germline. Affected: yes.
Comment: In silico analysis supports that this missense variant has a deleterious effect on protein structure/function; Has not been previously published as pathogenic or benign to our knowledge

Labcorp Genetics (formerly Invitae), Labcorp
Classification: Likely benign. Last evaluated: 2024-10-22. Review status: criteria provided, single submitter. Criteria: Invitae Variant Classification Sherloc (09022015). Collection method: clinical testing. Allele origin: germline.